The following is an entry in ClinVar:

NM_015046.7(SETX):c.3589G>T (p.Asp1197Tyr)

Gene: SETX (senataxin; minus strand). Cytogenetic location: 9q34.13.
Variant type: single nucleotide variant.
Coding change: c.3589G>T on transcript NM_015046.7 (MANE Select); coding-DNA position 3589, G replaced by T.
Protein change: p.Asp1197Tyr; replaces aspartic acid 1197 with tyrosine.
Molecular consequence: missense variant.
Genome position (GRCh38, 1-based): chr9:132,328,009, C>A on the plus strand (G>T on the coding strand, the complement: SETX is on the minus strand). VCF-style: chr9-132328009-C-A. GRCh37 (hg19) VCF-style: chr9-135203396-C-A.
Other names: c.3589G>T, p.Asp1197Tyr (NM_001351527.2, NM_001351528.2); short protein forms D1197Y.
Identifiers: ClinVar variation 2926933 (VCV002926933.5), dbSNP rs149558692, ClinGen allele CA5297366.

ClinVar aggregate classification (germline): Conflicting classifications of pathogenicity. Review status: criteria provided, conflicting classifications (1 of 4 stars). 3 submissions from 3 submitters: Uncertain significance (1); Benign (1). 1 of the submissions does not count toward it. Last evaluated 2025-12-13.

Conditions:
SETX-related disorder. Also called: SETX-related condition; SETX-related disorders. Identifiers: MedGen CN239403.
Inborn genetic diseases. Identifiers: MedGen C0950123, MeSH D030342.
Amyotrophic lateral sclerosis type 4 (ALS4). Also called: NEURONOPATHY, DISTAL HEREDITARY MOTOR, WITH PYRAMIDAL FEATURES; AMYOTROPHIC LATERAL SCLEROSIS 4, JUVENILE. Identifiers: Orphanet 357043, MedGen C1865409, MONDO:0011223, OMIM 602433.
Spinocerebellar ataxia, autosomal recessive, with axonal neuropathy 2 (SCAN2). Also called: Ataxia with Oculomotor Apraxia; Ataxia with Oculomotor Apraxia Type 2; Ataxia-ocular apraxia-2; ATAXIA-OCULOMOTOR APRAXIA 2. Identifiers: Orphanet 64753, MedGen C1853761, MONDO:0018996, OMIM 606002.

Allele frequency attached by ClinVar (database versions not stated): ESP Exome Variant Server 0.00008.
gnomAD v4.1: 7 of 1,613,798 alleles (0.00043%); highest among the groups gnomAD compares: Admixed American, 0.0033%; no homozygotes.

Submissions (3):

Labcorp Genetics (formerly Invitae), Labcorp
Classification: Benign for Amyotrophic lateral sclerosis type 4; Spinocerebellar ataxia, autosomal recessive, with axonal neuropathy 2. Last evaluated: 2025-12-13. Review status: criteria provided, single submitter. Criteria: Invitae Variant Classification Sherloc (09022015). Collection method: clinical testing. Allele origin: germline.

Ambry Genetics
Classification: Uncertain significance for Inborn genetic diseases. Last evaluated: 2025-04-18. Review status: criteria provided, single submitter. Criteria: Ambry Variant Classification Scheme 2023. Collection method: clinical testing. Allele origin: germline.

PreventionGenetics, part of Exact Sciences
Classification: Uncertain significance for SETX-related condition. Last evaluated: 2024-01-22. Review status: no assertion criteria provided. Collection method: clinical testing. Allele origin: germline. Not counted in ClinVar's aggregate classification.
Comment: The SETX c.3589G>T variant is predicted to result in the amino acid substitution p.Asp1197Tyr. To our knowledge, this variant has not been reported in the literature. This variant is reported in 0.0050% of alleles in individuals of East Asian descent in gnomAD. At this time, the clinical significance of this variant is uncertain due to the absence of conclusive functional and genetic evidence.